The following is an entry in ClinVar:

ClinVar aggregate classification (germline): Uncertain significance (1 of 4 stars; one submission).

Submission:

Ambry Genetics
Classification: Uncertain significance. Last evaluated: 2020-12-16. Review status: criteria provided, single submitter. Criteria: Ambry Variant Classification Scheme 2023. Collection method: clinical testing. Allele origin: germline.
Comment: The p.N309K variant (also known as c.927T>A), located in coding exon 7 of the RECQL gene, results from a T to A substitution at nucleotide position 927. The asparagine at codon 309 is replaced by lysine, an amino acid with similar properties. This amino acid position is well conserved in available vertebrate species. In addition, this alteration is predicted to be tolerated by in silico analysis. Since supporting evidence is limited at this time, the clinical significance of this alteration remains unclear.

NM_002907.4(RECQL):c.927T>A (p.Asn309Lys)

Gene: RECQL (RecQ like helicase; minus strand). Cytogenetic location: 12p12.1.
Variant type: single nucleotide variant.
Coding change: c.927T>A on transcript NM_002907.4 (MANE Select); coding-DNA position 927, T replaced by A.
Protein change: p.Asn309Lys; replaces asparagine 309 with lysine.
Molecular consequence: missense variant.
Genome position (GRCh38, 1-based): chr12:21,476,933, A>T on the plus strand (T>A on the coding strand, the complement: RECQL is on the minus strand). VCF-style: chr12-21476933-A-T. GRCh37 (hg19) VCF-style: chr12-21629867-A-T.
Other names: c.927T>A, p.Asn309Lys (NM_032941.3); short protein forms N309K.
Identifiers: ClinVar variation 1766423 (VCV001766423.2), dbSNP rs2540351810, ClinGen allele CA384122916.
Genomic context (GRCh38, chr12:21,476,933, plus strand): 5'-TTATCTCTGTCTCCAAAGTTGGTTTGTTTTTACATTACCTGATTGCCCTTTGTATCTCCC[A>T]TTAATGAGCTTTACAATATCCTCAATAAAATCTTCAGTGTTTGAGGGCTTCTGCCGAACC-3'
Protein context (NP_002898.2, residues 299-319): DFIEDIVKLI[Asn309Lys]GRYKGQSGII